The following is an entry in ClinVar:

ClinVar aggregate classification (germline): Uncertain significance (1 of 4 stars; one submission).

Submission:

GeneDx
Classification: Uncertain significance. Last evaluated: 2017-06-29. Review status: criteria provided, single submitter. Criteria: GeneDx Variant Classification (06012015). Collection method: clinical testing. Allele origin: germline. Affected: yes.
Comment: The I176N variant in the GJA1 gene has not been reported previously as a pathogenic variant, nor as a benign variant, to our knowledge. The I176N variant is not observed in large population cohorts (Lek et al., 2016; 1000 Genomes Consortium et al., 2015; Exome Variant Server). The I176N variant is a non-conservative amino acid substitution, which is likely to impact secondary protein structure as these residues differ in polarity, charge, size and/or other properties. This substitution occurs at a position where amino acids with similar properties to Isoleucine are tolerated across species. In silico analysis predicts this variant is probably damaging to the protein structure/function. We interpret I176N as a variant of uncertain significance.

NM_000165.5(GJA1):c.527T>A (p.Ile176Asn)

Gene: GJA1 (gap junction protein alpha 1; plus strand). Cytogenetic location: 6q22.31.
Variant type: single nucleotide variant.
Coding change: c.527T>A on transcript NM_000165.5 (MANE Select); coding-DNA position 527, T replaced by A.
Protein change: p.Ile176Asn; replaces isoleucine 176 with asparagine.
Molecular consequence: missense variant.
Genome position (GRCh38, 1-based): chr6:121,447,374, T>A. VCF-style: chr6-121447374-T-A. GRCh37 (hg19) VCF-style: chr6-121768520-T-A.
Other names: short protein forms I176N.
Identifiers: ClinVar variation 450180 (VCV000450180.2), dbSNP rs370071579, ClinGen allele CA365559209.